The following is an entry in ClinVar:

NM_006565.4(CTCF):c.442dup (p.Ala148fs)

Gene: CTCF (CCCTC-binding factor; plus strand). Cytogenetic location: 16q22.1.
Variant type: Duplication.
Coding change: c.442dup on transcript NM_006565.4 (MANE Select); coding-DNA position 442, one base duplicated (G; older notation c.442dupG).
Protein change: p.Ala148fs; shifts the reading frame from alanine 148.
Molecular consequence: frameshift variant. On other transcripts: intron variant (1).
Genome position (GRCh38, 1-based): chr16:67,611,274, G duplicated. VCF-style (leftmost placement, unchanged base first): chr16-67611273-T-TG. GRCh37 (hg19) VCF-style: chr16-67645176-T-TG.
Other names: c.442dup, p.Ala148Glyfs (NM_001363916.2); c.-32-5471dup (NM_001191022.2); short protein forms A148fs.
Identifiers: ClinVar variation 2691856 (VCV002691856.3), dbSNP rs2543448397, ClinGen allele CA2697555918.

ClinVar aggregate classification (germline): Likely pathogenic (1 of 4 stars; one submission).

Conditions:
CTCF-related neurodevelopmental disorder. Also called: Intellectual disability-feeding difficulties-developmental delay-microcephaly syndrome; INTELLECTUAL DEVELOPMENTAL DISORDER, AUTOSOMAL DOMINANT 21. Identifiers: Orphanet 363611, MedGen C3809686, MONDO:0014213, OMIM 615502.

Submission:

Institute of Human Genetics, University of Leipzig Medical Center
Classification: Likely pathogenic for CTCF-related neurodevelopmental disorder. Last evaluated: 2023-12-19. Review status: criteria provided, single submitter. Criteria: ACMG Guidelines, 2015. Collection method: clinical testing. Allele origin: de novo. Inheritance: Autosomal dominant inheritance. Affected: yes.
Comment: Criteria applied: PVS1,PS2_MOD,PM2